The following is an entry in ClinVar:

NM_001105206.3(LAMA4):c.657C>A (p.Phe219Leu)

Gene: LAMA4 (laminin subunit alpha 4; minus strand). Cytogenetic location: 6q21.
Variant type: single nucleotide variant.
Coding change: c.657C>A on transcript NM_001105206.3 (MANE Select); coding-DNA position 657, C replaced by A.
Protein change: p.Phe219Leu; replaces phenylalanine 219 with leucine.
Molecular consequence: missense variant.
Genome position (GRCh38, 1-based): chr6:112,191,697, G>T on the plus strand (C>A on the coding strand, the complement: LAMA4 is on the minus strand). VCF-style: chr6-112191697-G-T. GRCh37 (hg19) VCF-style: chr6-112512899-G-T.
Other names: c.657C>A, p.Phe219Leu (NM_001105207.3, NM_002290.5); short protein forms F219L.
Identifiers: ClinVar variation 474182 (VCV000474182.8), dbSNP rs1554349095, ClinGen allele CA365378001.

ClinVar aggregate classification (germline): Uncertain significance (1 of 4 stars; one submission).

Conditions:
Dilated cardiomyopathy 1JJ (CMD1JJ). Identifiers: Orphanet 154, MedGen C3808935, MONDO:0014095, OMIM 615235.

Submission:

Labcorp Genetics (formerly Invitae), Labcorp
Classification: Uncertain significance for Dilated cardiomyopathy 1JJ. Last evaluated: 2017-03-13. Review status: criteria provided, single submitter. Criteria: Invitae Variant Classification Sherloc (09022015). Collection method: clinical testing. Allele origin: germline.
Comment: In summary, this variant is a novel missense change with uncertain impact on protein function. It has been classified as a Variant of Uncertain Significance. This sequence change replaces phenylalanine with leucine at codon 219 of the LAMA4 protein (p.Phe219Leu). The phenylalanine residue is highly conserved and there is a small physicochemical difference between phenylalanine and leucine. This variant is not present in population databases (ExAC no frequency) and has not been reported in the literature in individuals with a LAMA4-related disease. Algorithms developed to predict the effect of missense changes on protein structure and function do not agree on the potential impact of this missense change (SIFT: "Tolerated"; PolyPhen-2: "Possibly Damaging"; Align-GVGD: "Class C0").